The following is an entry in ClinVar:

ClinVar aggregate classification (germline): Conflicting classifications of pathogenicity. Review status: criteria provided, conflicting classifications (1 of 4 stars). 2 submissions from 2 submitters: Uncertain significance (1); Likely benign (1). Last evaluated 2025-12-03.

Conditions:
Inborn genetic diseases. Identifiers: MedGen C0950123, MeSH D030342.

gnomAD v4.1: 2 of 1,614,014 alleles (0.00012%); highest among the groups gnomAD compares: Middle Eastern, 0.016%; no homozygotes.

Submissions (2):

Ambry Genetics
Classification: Uncertain significance for Inborn genetic diseases. Last evaluated: 2025-12-03. Review status: criteria provided, single submitter. Criteria: Ambry Variant Classification Scheme 2023. Collection method: clinical testing. Allele origin: germline.
Comment: The p.P540A variant (also known as c.1618C>G), located in coding exon 12 of the ASXL1 gene, results from a C to G substitution at nucleotide position 1618. The proline at codon 540 is replaced by alanine, an amino acid with highly similar properties. This amino acid position is conserved. In addition, this alteration is predicted to be tolerated by in silico analysis. Based on the available evidence, the clinical significance of this variant remains unclear.

CeGaT Center for Human Genetics Tuebingen
Classification: Likely benign. Last evaluated: 2024-05-01. Review status: criteria provided, single submitter. Criteria: CeGaT Center For Human Genetics Tuebingen Variant Classification Criteria Version 2. Collection method: clinical testing. Allele origin: germline. Affected: yes. Observed: 1 variant allele.
Comment: ASXL1: BP1, BP5, BS2

NM_015338.6(ASXL1):c.1618C>G (p.Pro540Ala)

Gene: ASXL1 (ASXL transcriptional regulator 1; plus strand). Cytogenetic location: 20q11.21.
Variant type: single nucleotide variant.
Coding change: c.1618C>G on transcript NM_015338.6 (MANE Select); coding-DNA position 1618, C replaced by G.
Protein change: p.Pro540Ala; replaces proline 540 with alanine.
Molecular consequence: missense variant.
Genome position (GRCh38, 1-based): chr20:32,433,816, C>G. VCF-style: chr20-32433816-C-G. GRCh37 (hg19) VCF-style: chr20-31021619-C-G.
Other names: c.1435C>G, p.Pro479Ala (NM_001363734.1); short protein forms P479A, P540A.
Identifiers: ClinVar variation 3239215 (VCV003239215.19), dbSNP rs1023881021.